The following is an entry in ClinVar:

ClinVar aggregate classification (germline): Uncertain significance. Review status: criteria provided, multiple submitters, no conflicts (2 of 4 stars). 3 submissions from 3 submitters: Uncertain significance (3). Last evaluated 2025-11-10.

Allele frequency attached by ClinVar (database versions not stated): gnomAD exomes below 0.00001 and 0.00001; TOPMed below 0.00001; ExAC 0.00001; gnomAD 0.00001.
gnomAD v4.1: 18 of 1,614,040 alleles (0.0011%); highest among the groups gnomAD compares: Middle Eastern, 0.016%; no homozygotes.

Submissions (3):

Ambry Genetics
Classification: Uncertain significance. Last evaluated: 2025-11-10. Review status: criteria provided, single submitter. Criteria: Ambry Variant Classification Scheme 2023. Collection method: clinical testing. Allele origin: germline.
Comment: The p.R373C variant (also known as c.1117C>T), located in coding exon 6 of the GALNT12 gene, results from a C to T substitution at nucleotide position 1117. The arginine at codon 373 is replaced by cysteine, an amino acid with highly dissimilar properties. This amino acid position is highly conserved in available vertebrate species. In addition, this alteration is predicted to be deleterious by in silico analysis. Since supporting evidence is limited at this time, the clinical significance of this alteration remains unclear.

Blueprint Genetics
Classification: Uncertain significance. Last evaluated: 2024-02-09. Review status: criteria provided, single submitter. Criteria: ACMG Guidelines, 2015. Collection method: clinical testing. Allele origin: germline.

Labcorp Genetics (formerly Invitae), Labcorp
Classification: Uncertain significance. Last evaluated: 2022-01-03. Review status: criteria provided, single submitter. Criteria: Invitae Variant Classification Sherloc (09022015). Collection method: clinical testing. Allele origin: germline.
Comment: This sequence change replaces arginine, which is basic and polar, with cysteine, which is neutral and slightly polar, at codon 373 of the GALNT12 protein (p.Arg373Cys). This variant is present in population databases (rs371373776, gnomAD 0.0009%). This variant has not been reported in the literature in individuals affected with GALNT12-related conditions. Algorithms developed to predict the effect of missense changes on protein structure and function are either unavailable or do not agree on the potential impact of this missense change (SIFT: "Deleterious"; PolyPhen-2: "Probably Damaging"; Align-GVGD: "Class C0"). In summary, the available evidence is currently insufficient to determine the role of this variant in disease. Therefore, it has been classified as a Variant of Uncertain Significance.

NM_024642.5(GALNT12):c.1117C>T (p.Arg373Cys)

Gene: GALNT12 (polypeptide N-acetylgalactosaminyltransferase 12; plus strand). Cytogenetic location: 9q22.33.
Variant type: single nucleotide variant.
Coding change: c.1117C>T on transcript NM_024642.5 (MANE Select); coding-DNA position 1117, C replaced by T.
Protein change: p.Arg373Cys; replaces arginine 373 with cysteine.
Molecular consequence: missense variant.
Genome position (GRCh38, 1-based): chr9:98,837,053, C>T. VCF-style: chr9-98837053-C-T. GRCh37 (hg19) VCF-style: chr9-101599335-C-T.
Other names: short protein forms R373C.
Identifiers: ClinVar variation 1449758 (VCV001449758.12), dbSNP rs371373776, ClinGen allele CA5154172.